The following is an entry in ClinVar:

NM_002693.3(POLG):c.2599-7C>T

Gene: POLG (DNA polymerase gamma, catalytic subunit; minus strand). Cytogenetic location: 15q26.1.
Variant type: single nucleotide variant.
Coding change: c.2599-7C>T on transcript NM_002693.3 (MANE Select); 7 bases into the intron before coding-DNA position 2599, C replaced by T.
Molecular consequence: intron variant.
Genome position (GRCh38, 1-based): chr15:89,321,267, G>A on the plus strand (C>T on the coding strand, the complement: POLG is on the minus strand). VCF-style: chr15-89321267-G-A. GRCh37 (hg19) VCF-style: chr15-89864498-G-A.
Other names: c.2599-7C>T (NM_002693.2, NM_001126131.2).
Identifiers: ClinVar variation 2861933 (VCV002861933.5), dbSNP rs745457199, ClinGen allele CA2194549061.

ClinVar aggregate classification (germline): Likely benign. Review status: criteria provided, single submitter (1 of 4 stars). 2 submissions from 2 submitters: Likely benign (1). 1 of the submissions does not count toward it. Last evaluated 2023-05-04.

Conditions:
POLG-related disorder. Also called: POLG-Related Spectrum Disorders; POLG-related condition; POLG-Related Disorders. Identifiers: MedGen C4763519.
Progressive sclerosing poliodystrophy (MTDPS4A). Also called: Mitochondrial DNA depletion syndrome 4A (Alpers type); ALPERS PROGRESSIVE INFANTILE POLIODYSTROPHY; NEURONAL DEGENERATION OF CHILDHOOD WITH LIVER DISEASE, PROGRESSIVE; Alpers Syndrome; ALPERS DIFFUSE DEGENERATION OF CEREBRAL GRAY MATTER WITH HEPATIC CIRRHOSIS; Alpers-Huttenlocher Syndrome. Identifiers: Orphanet 726, MedGen C0205710, MONDO:0008758, OMIM 203700.

Allele frequency attached by ClinVar (database versions not stated): TOPMed below 0.00001.
gnomAD v4.1: 2 of 1,613,934 alleles (0.00012%); highest among the groups gnomAD compares: Non-Finnish European, 0.00017%; no homozygotes.

Submissions (2):

Labcorp Genetics (formerly Invitae), Labcorp
Classification: Likely benign for Progressive sclerosing poliodystrophy. Last evaluated: 2023-05-04. Review status: criteria provided, single submitter. Criteria: Invitae Variant Classification Sherloc (09022015). Collection method: clinical testing. Allele origin: germline.

PreventionGenetics, part of Exact Sciences
Classification: Likely benign for POLG-related condition. Last evaluated: 2019-04-05. Review status: no assertion criteria provided. Collection method: clinical testing. Allele origin: germline. Not counted in ClinVar's aggregate classification.
Comment: This variant is classified as likely benign based on ACMG/AMP sequence variant interpretation guidelines (Richards et al. 2015 PMID: 25741868, with internal and published modifications).